The following is an entry in ClinVar:

NM_001069.3(TUBB2A):c.615G>C (p.Glu205Asp)

Gene: TUBB2A (tubulin beta 2A class IIa; minus strand). Cytogenetic location: 6p25.2.
Variant type: single nucleotide variant.
Coding change: c.615G>C on transcript NM_001069.3 (MANE Select); coding-DNA position 615, G replaced by C.
Protein change: p.Glu205Asp; replaces glutamic acid 205 with aspartic acid.
Molecular consequence: missense variant.
Genome position (GRCh38, 1-based): chr6:3,154,586, C>G on the plus strand (G>C on the coding strand, the complement: TUBB2A is on the minus strand). VCF-style: chr6-3154586-C-G. GRCh37 (hg19) VCF-style: chr6-3154820-C-G.
Other names: c.360G>C, p.Glu120Asp (NM_001310315.2); short protein forms E120D, E205D.
Identifiers: ClinVar variation 1453506 (VCV001453506.6), dbSNP rs2113785454, ClinGen allele CA362592340.

ClinVar aggregate classification (germline): Pathogenic (1 of 4 stars; one submission).

Submission:

Labcorp Genetics (formerly Invitae), Labcorp
Classification: Pathogenic. Last evaluated: 2021-11-29. Review status: criteria provided, single submitter. Criteria: Invitae Variant Classification Sherloc (09022015). Collection method: clinical testing. Allele origin: germline.
Comment: This variant is not present in population databases (gnomAD no frequency). This missense change has been observed in individual(s) with clinical features of cortical malformations (Invitae). In at least one individual the variant was observed to be de novo. Advanced modeling of protein sequence and biophysical properties (such as structural, functional, and spatial information, amino acid conservation, physicochemical variation, residue mobility, and thermodynamic stability) performed at Invitae indicates that this missense variant is expected to disrupt TUBB2A protein function. For these reasons, this variant has been classified as Pathogenic. This sequence change replaces glutamic acid, which is acidic and polar, with aspartic acid, which is acidic and polar, at codon 205 of the TUBB2A protein (p.Glu205Asp).